The following is an entry in ClinVar:

ClinVar aggregate classification (germline): Benign/Likely benign. Review status: criteria provided, multiple submitters, no conflicts (2 of 4 stars). 2 submissions from 2 submitters: Benign (1); Likely benign (1). Last evaluated 2024-10-24.

Conditions:
Birt-Hogg-Dube syndrome 1 (BHD1). Also called: FIBROFOLLICULOMAS WITH TRICHODISCOMAS AND ACROCHORDONS. Identifiers: Orphanet 122, MedGen CN375946, MONDO:0800445, OMIM 135150.
Birt-Hogg-Dube syndrome. Also called: Birt Hogg Dubé syndrome. Identifiers: Orphanet 122, MedGen C0346010, MONDO:0800444.

Submissions (2):

Myriad Genetics, Inc.
Classification: Benign for Birt-Hogg-Dube syndrome 1. Last evaluated: 2024-10-24. Review status: criteria provided, single submitter. Criteria: Myriad Autosomal Dominant, Autosomal Recessive and X-Linked Classification Criteria (2023). Collection method: clinical testing. Allele origin: unknown.
Comment: This variant is considered benign. This variant is a silent/synonymous amino acid change and it is not expected to impact splicing.

Labcorp Genetics (formerly Invitae), Labcorp
Classification: Likely benign for Birt-Hogg-Dube syndrome. Last evaluated: 2024-02-17. Review status: criteria provided, single submitter. Criteria: Invitae Variant Classification Sherloc (09022015). Collection method: clinical testing. Allele origin: germline.

NM_144997.7(FLCN):c.1086C>T (p.Arg362=)

Gene: FLCN (folliculin; minus strand). Cytogenetic location: 17p11.2.
Variant type: single nucleotide variant.
Coding change: c.1086C>T on transcript NM_144997.7 (MANE Select); coding-DNA position 1086, C replaced by T.
Protein change: p.Arg362=; no amino-acid change (arginine 362 retained).
Molecular consequence: synonymous variant.
Genome position (GRCh38, 1-based): chr17:17,217,159, G>A on the plus strand (C>T on the coding strand, the complement: FLCN is on the minus strand). VCF-style: chr17-17217159-G-A. GRCh37 (hg19) VCF-style: chr17-17120473-G-A.
Other names: c.1140C>T, p.Arg380= (NM_001353229.2); c.1086C>T, p.Arg362= (NM_001353230.2, NM_001353231.2).
Identifiers: ClinVar variation 1015568 (VCV001015568.6), dbSNP rs2046951541, ClinGen allele CA498163401.